The following is an entry in ClinVar:

NM_000101.4(CYBA):c.167G>T (p.Arg56Leu)

Gene: CYBA (cytochrome b-245 alpha chain; minus strand). Cytogenetic location: 16q24.2.
Variant type: single nucleotide variant.
Coding change: c.167G>T on transcript NM_000101.4 (MANE Select); coding-DNA position 167, G replaced by T.
Protein change: p.Arg56Leu; replaces arginine 56 with leucine.
Molecular consequence: missense variant.
Genome position (GRCh38, 1-based): chr16:88,647,137, C>A on the plus strand (G>T on the coding strand, the complement: CYBA is on the minus strand). VCF-style: chr16-88647137-C-A. GRCh37 (hg19) VCF-style: chr16-88713545-C-A.
Other names: short protein forms R56L.
Identifiers: ClinVar variation 1420557 (VCV001420557.6), dbSNP rs756890606, ClinGen allele CA397065005.
Genomic context (GRCh38, chr16:88,647,137, plus strand): 5'-ACCCCAGAGCAGGAGGAGACTCACCAGCGCTCCATGGTGGAGCCCTTCTTCCTCTTCCCC[C>A]GGGGGTACTCCAGCAGGCACACAAACACGCCCGCCACACTGAAGCCATGTGGTTAAGGAA-3'
Protein context (NP_000092.2, residues 46-66): GVFVCLLEYP[Arg56Leu]GKRKKGSTME

ClinVar aggregate classification (germline): Uncertain significance (1 of 4 stars; one submission).

Conditions:
Granulomatous disease, chronic, autosomal recessive, cytochrome b-negative. Also called: GRANULOMATOUS DISEASE, CHRONIC, AUTOSOMAL RECESSIVE, 4; Chronic granulomatous disease, autosomal, due to deficiency of CYBA; CGD DUE TO DEFICIENCY OF THE ALPHA SUBUNIT OF CYTOCHROME b; CGD, AUTOSOMAL RECESSIVE CYTOCHROME b-NEGATIVE; CYBA DEFICIENCY. Identifiers: Orphanet 379, MedGen C1856255, MONDO:0009308, OMIM 233690.

Submission:

Labcorp Genetics (formerly Invitae), Labcorp
Classification: Uncertain significance for Granulomatous disease, chronic, autosomal recessive, cytochrome b-negative. Last evaluated: 2022-08-15. Review status: criteria provided, single submitter. Criteria: Invitae Variant Classification Sherloc (09022015). Collection method: clinical testing. Allele origin: germline.
Comment: This sequence change replaces arginine, which is basic and polar, with leucine, which is neutral and non-polar, at codon 56 of the CYBA protein (p.Arg56Leu). This variant is not present in population databases (gnomAD no frequency). This variant has not been reported in the literature in individuals affected with CYBA-related conditions. ClinVar contains an entry for this variant (Variation ID: 1420557). Algorithms developed to predict the effect of missense changes on protein structure and function are either unavailable or do not agree on the potential impact of this missense change (SIFT: "Deleterious"; PolyPhen-2: "Probably Damaging"; Align-GVGD: "Class C0"). In summary, the available evidence is currently insufficient to determine the role of this variant in disease. Therefore, it has been classified as a Variant of Uncertain Significance.